The following is an entry in ClinVar:

NM_007186.6(CEP250):c.353C>T (p.Thr118Ile)

Gene: CEP250 (centrosomal protein 250; plus strand). Cytogenetic location: 20q11.22.
Variant type: single nucleotide variant.
Coding change: c.353C>T on transcript NM_007186.6 (MANE Select); coding-DNA position 353, C replaced by T.
Protein change: p.Thr118Ile; replaces threonine 118 with isoleucine.
Molecular consequence: missense variant. On other transcripts: 5 prime UTR variant (1).
Genome position (GRCh38, 1-based): chr20:35,466,065, C>T. VCF-style: chr20-35466065-C-T. GRCh37 (hg19) VCF-style: chr20-34053890-C-T.
Other names: c.353C>T (NM_007186.5); c.-1547C>T (NM_001318219.1); short protein forms T118I.
Identifiers: ClinVar variation 1165149 (VCV001165149.11), dbSNP rs369894925, ClinGen allele CA9832603.
Genomic context (GRCh38, chr20:35,466,065, plus strand): 5'-ATTTTGCACCCACTTTTACCCCTCCCCAGTGCAGGTGTGAGAGTCTAGCAGAGGTGAACA[C>T]CCAGCTTCGACTGCACATGGAAAAAGCTGACGTGGTGAATAAAGCCCTTAGGGAAGATGT-3'
Protein context (NP_009117.2, residues 108-128): QRCESLAEVN[Thr118Ile]QLRLHMEKAD

ClinVar aggregate classification (germline): Benign. Review status: criteria provided, single submitter (1 of 4 stars). 2 submissions from 2 submitters: Benign (1). 1 of the submissions does not count toward it. Last evaluated 2026-01-12.

Conditions:
CEP250-related disorder. Also called: CEP250-related condition.

Allele frequency attached by ClinVar (database versions not stated): gnomAD 0.00004 and 0.00050; ESP Exome Variant Server 0.00008; TOPMed 0.00011; gnomAD exomes 0.00181; ExAC 0.00201; 1000 Genomes Project 30x 0.00344; 1000 Genomes Project 0.00399.
gnomAD v4.1: 1,381 of 1,614,178 alleles (0.086%); highest among the groups gnomAD compares: South Asian, 1.4%; 25 homozygotes.

Submissions (2):

Labcorp Genetics (formerly Invitae), Labcorp
Classification: Benign. Last evaluated: 2026-01-12. Review status: criteria provided, single submitter. Criteria: Invitae Variant Classification Sherloc (09022015). Collection method: clinical testing. Allele origin: germline.

PreventionGenetics, part of Exact Sciences
Classification: Benign for CEP250-related condition. Last evaluated: 2019-07-03. Review status: no assertion criteria provided. Collection method: clinical testing. Allele origin: germline. Not counted in ClinVar's aggregate classification.
Comment: This variant is classified as benign based on ACMG/AMP sequence variant interpretation guidelines (Richards et al. 2015 PMID: 25741868, with internal and published modifications).